The following is an entry in ClinVar:

ClinVar aggregate classification (germline): Likely benign (0 of 4 stars; one submission).

Conditions:
UFD1-related disorder. Also called: UFD1-related condition.

Allele frequency attached by ClinVar (database versions not stated): gnomAD exomes below 0.00001; TOPMed below 0.00001; ExAC 0.00001.
gnomAD v4.1: 9 of 1,614,202 alleles (0.00056%); highest among the groups gnomAD compares: Middle Eastern, 0.016%; no homozygotes.

Submission:

PreventionGenetics, part of Exact Sciences
Classification: Likely benign for UFD1-related condition. Last evaluated: 2019-03-07. Review status: no assertion criteria provided. Collection method: clinical testing. Allele origin: germline.
Comment: This variant is classified as likely benign based on ACMG/AMP sequence variant interpretation guidelines (Richards et al. 2015 PMID: 25741868, with internal and published modifications).

NM_005659.7(UFD1):c.915A>G (p.Arg305=)

Genes: UFD1 (ubiquitin recognition factor in ER associated degradation 1; minus strand), UFD1-AS1 (UFD1 antisense RNA 1; plus strand). Cytogenetic location: 22q11.21.
Variant type: single nucleotide variant.
Coding change: c.915A>G on transcript NM_005659.7 (MANE Select); coding-DNA position 915, A replaced by G.
Protein change: p.Arg305=; no amino-acid change (arginine 305 retained).
Molecular consequence: synonymous variant. On other transcripts: 3 prime UTR variant (1).
Genome position (GRCh38, 1-based): chr22:19,450,679, T>C on the plus strand (A>G on the coding strand, the complement: UFD1 is on the minus strand). VCF-style: chr22-19450679-T-C. GRCh37 (hg19) VCF-style: chr22-19438202-T-C.
Other names: c.*61A>G (NM_001035247.3); c.900A>G, p.Arg300= (NM_001362910.2).
Identifiers: ClinVar variation 3046303 (VCV003046303.2), dbSNP rs775969962, ClinGen allele CA10100449.